The following is an entry in ClinVar:

ClinVar aggregate classification (germline): Uncertain significance (1 of 4 stars; one submission).

Allele frequency attached by ClinVar (database versions not stated): gnomAD exomes 0.00001; TOPMed 0.00001.
gnomAD v4.1: 3 of 1,611,676 alleles (0.00019%); highest among the groups gnomAD compares: Non-Finnish European, 0.00025%; no homozygotes.

Submission:

Labcorp Genetics (formerly Invitae), Labcorp
Classification: Uncertain significance. Last evaluated: 2021-12-07. Review status: criteria provided, single submitter. Criteria: Invitae Variant Classification Sherloc (09022015). Collection method: clinical testing. Allele origin: germline.
Comment: This sequence change replaces lysine, which is basic and polar, with arginine, which is basic and polar, at codon 155 of the ORC6 protein (p.Lys155Arg). This variant is not present in population databases (gnomAD no frequency). This variant has not been reported in the literature in individuals affected with ORC6-related conditions. Algorithms developed to predict the effect of missense changes on protein structure and function are either unavailable or do not agree on the potential impact of this missense change (SIFT: "Deleterious"; PolyPhen-2: "Benign"; Align-GVGD: "Class C25"). In summary, the available evidence is currently insufficient to determine the role of this variant in disease. Therefore, it has been classified as a Variant of Uncertain Significance.

NM_014321.4(ORC6):c.464A>G (p.Lys155Arg)

Gene: ORC6 (origin recognition complex subunit 6; plus strand). Cytogenetic location: 16q11.2.
Variant type: single nucleotide variant.
Coding change: c.464A>G on transcript NM_014321.4 (MANE Select); coding-DNA position 464, A replaced by G.
Protein change: p.Lys155Arg; replaces lysine 155 with arginine.
Molecular consequence: missense variant. On other transcripts: non-coding transcript variant (1).
Genome position (GRCh38, 1-based): chr16:46,695,576, A>G. VCF-style: chr16-46695576-A-G. GRCh37 (hg19) VCF-style: chr16-46729488-A-G.
Other names: short protein forms K155R.
Identifiers: ClinVar variation 1465537 (VCV001465537.3), dbSNP rs1159636417, ClinGen allele CA395782981.